The following is an entry in ClinVar:

NC_000002.12:g.216370024_216479573inv

Genes: MARCHF4 (membrane associated ring-CH-type finger 4; minus strand), SMARCAL1 (SNF2 related chromatin remodeling annealing helicase 1; plus strand), LOC112806077 (Sharpr-MPRA regulatory region 13820; plus strand), LOC129935569 (ATAC-STARR-seq lymphoblastoid active region 17096; plus strand). Cytogenetic location: 2q35.
Variant type: Inversion.
Identifiers: ClinVar variation 1693165 (VCV001693165.3).

ClinVar aggregate classification (germline): Likely pathogenic (1 of 4 stars; one submission).

Conditions:
Schimke immuno-osseous dysplasia (SIOD). Also called: Schimke Immunoosseous Dysplasia. Identifiers: Orphanet 1830, MedGen C0877024, MONDO:0009458, OMIM 242900.

Submission:

Victorian Clinical Genetics Services, Murdoch Childrens Research Institute
Classification: Likely pathogenic for Schimke immuno-osseous dysplasia. Last evaluated: 2021-11-24. Review status: criteria provided, single submitter. Criteria: ACMG Guidelines, 2015. Collection method: clinical testing. Allele origin: paternal. Inheritance: Autosomal recessive inheritance. Affected: yes.
Comment: This variant is classified as Likely Pathogenic. Evidence in support of pathogenic classification: - An inversion involving the SMARCAL1 and MARCHF4 genes has been identified. The inversion includes the promoter region and exons 1 to 17 (of 18) of the SMARCAL1 gene and the promoter region and part of exon 1 (of 4) of the MARCHF4 gene. The impact on the protein is difficult to predict. Multiple protein outcomes including a fusion or truncation are possible and expected to impact protein function. - Very strong and specific phenotype match for this individual . - Heterozygous variant detected in trans with a second pathogenic heterozygous variant (c.250dupC;p.(Gln84Profs*5)) in a recessive disease. Additional information: - This variant is heterozygous. - The SMARCAL1 gene is associated with autosomal recessive disease. - Variant is absent from gnomAD (SV v2). - This variant has no previous evidence of pathogenicity. - No published segregation evidence has been identified for this variant. - No published functional evidence has been identified for this variant. - No comparable inversions or truncating variants have previous evidence for pathogenicity. - Variant does not affect an established domain, motif, hotspot or informative constraint region. - Loss of function is a known mechanism of disease in the SMARCAL1 gene and is associated with Schimke immunoosseous dysplasia (MIM#242900). There is no known gene-disease association for the MARCHF4 gene.